The following is an entry in ClinVar:

NM_004393.6(DAG1):c.1324A>T (p.Thr442Ser)

Gene: DAG1 (dystroglycan 1; plus strand). Cytogenetic location: 3p21.31.
Variant type: single nucleotide variant.
Coding change: c.1324A>T on transcript NM_004393.6 (MANE Select); coding-DNA position 1324, A replaced by T.
Protein change: p.Thr442Ser; replaces threonine 442 with serine.
Molecular consequence: missense variant.
Genome position (GRCh38, 1-based): chr3:49,531,835, A>T. VCF-style: chr3-49531835-A-T. GRCh37 (hg19) VCF-style: chr3-49569268-A-T.
Other names: c.1324A>T, p.Thr442Ser (NM_001165928.4, NM_001177634.3, NM_001177635.3 and 9 more transcripts); short protein forms T442S.
Identifiers: ClinVar variation 1901973 (VCV001901973.5), dbSNP rs2472624389, ClinGen allele CA352795166.
Genomic context (GRCh38, chr3:49,531,835, plus strand): 5'-ACCACCACCAAGAAGCCACGAGTATCCACACCAAAACCAGCAACGCCTTCAACTGACTCC[A>T]CCACCACCACGACTCGCAGGCCAACCAAGAAACCACGGACACCCCGGCCAGTGCCCCGGG-3'
Protein context (NP_004384.5, residues 432-452): PKPATPSTDS[Thr442Ser]TTTTRRPTKK

ClinVar aggregate classification (germline): Uncertain significance (1 of 4 stars; one submission).

Conditions:
Muscular dystrophy-dystroglycanopathy (congenital with brain and eye anomalies), type A9. Also called: WALKER-WARBURG SYNDROME OR MUSCLE-EYE BRAIN DISEASE, DAG1-RELATED; Muscular dystrophy-dystroglycanopathy (congenital with brain and eye anomalies), type a, 9. Identifiers: Orphanet 370997, Orphanet 899, MedGen C4225291, MONDO:0014683, OMIM 616538.
Autosomal recessive limb-girdle muscular dystrophy type 2P. Also called: MUSCULAR DYSTROPHY, LIMB-GIRDLE, TYPE 2P; Limb-Girdle Muscular Dystrophy Type 9C; MUSCULAR DYSTROPHY-DYSTROGLYCANOPATHY, LIMB-GIRDLE, DAG1-RELATED. Identifiers: Orphanet 280333, MedGen C4511963, MONDO:0013440, OMIM 613818.

Submission:

Labcorp Genetics (formerly Invitae), Labcorp
Classification: Uncertain significance for Autosomal recessive limb-girdle muscular dystrophy type 2P; Muscular dystrophy-dystroglycanopathy (congenital with brain and eye anomalies), type A9. Last evaluated: 2022-09-27. Review status: criteria provided, single submitter. Criteria: Invitae Variant Classification Sherloc (09022015). Collection method: clinical testing. Allele origin: germline.
Comment: In summary, the available evidence is currently insufficient to determine the role of this variant in disease. Therefore, it has been classified as a Variant of Uncertain Significance. Algorithms developed to predict the effect of missense changes on protein structure and function output the following: SIFT: "Tolerated"; PolyPhen-2: "Benign"; Align-GVGD: "Class C0". The serine amino acid residue is found in multiple mammalian species, which suggests that this missense change does not adversely affect protein function. This variant has not been reported in the literature in individuals affected with DAG1-related conditions. This variant is not present in population databases (gnomAD no frequency). This sequence change replaces threonine, which is neutral and polar, with serine, which is neutral and polar, at codon 442 of the DAG1 protein (p.Thr442Ser).